The following is an entry in ClinVar:

NM_000487.6(ARSA):c.662T>C (p.Phe221Ser)

Gene: ARSA (arylsulfatase A; minus strand). Cytogenetic location: 22q13.33.
Variant type: single nucleotide variant.
Coding change: c.662T>C on transcript NM_000487.6 (MANE Select); coding-DNA position 662, T replaced by C.
Protein change: p.Phe221Ser; replaces phenylalanine 221 with serine.
Molecular consequence: missense variant.
Genome position (GRCh38, 1-based): chr22:50,626,856, A>G on the plus strand (T>C on the coding strand, the complement: ARSA is on the minus strand). VCF-style: chr22-50626856-A-G. GRCh37 (hg19) VCF-style: chr22-51065284-A-G.
Other names: c.662T>C, p.Phe221Ser (NM_001085425.3, NM_001085426.3, NM_001085427.3); c.404T>C, p.Phe135Ser (NM_001085428.3, NM_001362782.2); short protein forms F135S, F221S.
Identifiers: ClinVar variation 1377448 (VCV001377448.8), dbSNP rs2146723107, ClinGen allele CA412177028.

ClinVar aggregate classification (germline): Likely pathogenic (1 of 4 stars; one submission).

Conditions:
Metachromatic leukodystrophy (MLD). Also called: Arylsulfatase A Deficiency; SULFATIDE LIPIDOSIS; ARSA DEFICIENCY; CEREBROSIDE SULFATASE DEFICIENCY; Cerebral sclerosis diffuse metachromatic form; METACHROMATIC LEUKOENCEPHALOPATHY. Identifiers: Orphanet 512, MedGen C0023522, MONDO:0018868, OMIM 250100.

Submission:

Labcorp Genetics (formerly Invitae), Labcorp
Classification: Likely pathogenic for Metachromatic leukodystrophy. Last evaluated: 2023-08-21. Review status: criteria provided, single submitter. Criteria: Invitae Variant Classification Sherloc (09022015). Collection method: clinical testing. Allele origin: germline.
Comment: This sequence change replaces phenylalanine, which is neutral and non-polar, with serine, which is neutral and polar, at codon 221 of the ARSA protein (p.Phe221Ser). This variant is not present in population databases (gnomAD no frequency). In summary, the currently available evidence indicates that the variant is pathogenic, but additional data are needed to prove that conclusively. Therefore, this variant has been classified as Likely Pathogenic. This variant disrupts the p.Phe221 amino acid residue in ARSA. Other variant(s) that disrupt this residue have been determined to be pathogenic (PMID: 15710861). This suggests that this residue is clinically significant, and that variants that disrupt this residue are likely to be disease-causing. Advanced modeling of protein sequence and biophysical properties (such as structural, functional, and spatial information, amino acid conservation, physicochemical variation, residue mobility, and thermodynamic stability) performed at Invitae indicates that this missense variant is expected to disrupt ARSA protein function. ClinVar contains an entry for this variant (Variation ID: 1377448). This variant has not been reported in the literature in individuals affected with ARSA-related conditions.

Literature cited by the submitters: PubMed 15710861.